The following is an entry in ClinVar:

ClinVar aggregate classification (germline): Pathogenic/Likely pathogenic. Review status: criteria provided, multiple submitters, no conflicts (2 of 4 stars). 2 submissions from 2 submitters: Pathogenic (1); Likely pathogenic (1). Last evaluated 2024-08-29.

Conditions:
Propionic acidemia (PROP). Also called: GLYCINEMIA, KETOTIC; HYPERGLYCINEMIA WITH KETOACIDOSIS AND LEUKOPENIA; KETOTIC HYPERGLYCINEMIA. Identifiers: Orphanet 35, MedGen C0268579, MONDO:0011628, OMIM 606054, HP:0003571.

gnomAD v4.1: 1 of 1,610,850 alleles (0.000062%); highest among the groups gnomAD compares: Non-Finnish European, 0.000085%; no homozygotes.

Submissions (2):

Natera, Inc.
Classification: Likely pathogenic for Propionic acidemia. Last evaluated: 2024-08-29. Review status: criteria provided, single submitter. Criteria: Natera Variant Classification Schema (03/2026). Collection method: clinical testing. Allele origin: germline.
Comment: The c.1398+1G>C variant in PCCB is a canonical splice donor site variant predicted to affect pre-mRNA splicing, which may result in an abnormal transcript and altered protein product. This variant is expected to result in nonsense mediated decay, truncation, or a dysfunctional protein product. This variant is rare in the general population with a frequency below the threshold expected for the associated phenotype(s). This variant has been observed in one or more individuals affected with the associated recessive disease, as either homozygous or compound heterozygous with a second variant (PMID: 27776753). Given the available evidence, this variant is classified as Likely Pathogenic.

Labcorp Genetics (formerly Invitae), Labcorp
Classification: Pathogenic for Propionic acidemia. Last evaluated: 2023-02-20. Review status: criteria provided, single submitter. Criteria: Invitae Variant Classification Sherloc (09022015). Collection method: clinical testing. Allele origin: germline.
Comment: Algorithms developed to predict the effect of sequence changes on RNA splicing suggest that this variant may disrupt the consensus splice site. This sequence change affects a donor splice site in intron 13 of the PCCB gene. It is expected to disrupt RNA splicing. Variants that disrupt the donor or acceptor splice site typically lead to a loss of protein function (PMID: 16199547), and loss-of-function variants in PCCB are known to be pathogenic (PMID: 15464417). This variant is present in population databases (no rsID available, gnomAD 0.0009%). Disruption of this splice site has been observed in individual(s) with propionic acidemia (PMID: 8023851, 32252659). In at least one individual the data is consistent with being in trans (on the opposite chromosome) from a pathogenic variant. For these reasons, this variant has been classified as Pathogenic.

Literature cited by the submitters: PubMed 27776753 (cited by Natera, Inc.); PubMed 16199547 (cited by Labcorp Genetics (formerly Invitae), Labcorp); PubMed 15464417 (cited by Labcorp Genetics (formerly Invitae), Labcorp); PubMed 8023851 (cited by Labcorp Genetics (formerly Invitae), Labcorp); PubMed 32252659 (cited by Labcorp Genetics (formerly Invitae), Labcorp).

NM_000532.5(PCCB):c.1398+1G>C

Gene: PCCB (propionyl-CoA carboxylase subunit beta; plus strand). Cytogenetic location: 3q22.3.
Variant type: single nucleotide variant.
Coding change: c.1398+1G>C on transcript NM_000532.5 (MANE Select); the canonical splice donor site of the intron after coding-DNA position 1398, G replaced by C.
Molecular consequence: splice donor variant.
Genome position (GRCh38, 1-based): chr3:136,327,733, G>C. VCF-style: chr3-136327733-G-C. GRCh37 (hg19) VCF-style: chr3-136046575-G-C.
Other names: c.1398+1G>C (NM_000532.4); c.1458+1G>C (NM_001178014.2).
Identifiers: ClinVar variation 2790038 (VCV002790038.4), dbSNP rs794727092, ClinGen allele CA354649533.
Genomic context (GRCh38, chr3:136,327,733, plus strand): 5'-CTTTGTGGTGATACCAACTATGCCTGGCCCACCGCAGAGATTGCAGTCATGGGAGCAAAG[G>C]TGAGGGCCTCTTGCTTTTCCCTTTCTGGGTCCAAGGACTCGACTCTACCAGCGAGAGCTC-3'